The following is an entry in ClinVar:

ClinVar aggregate classification (germline): Uncertain significance. Review status: criteria provided, multiple submitters, no conflicts (2 of 4 stars). 3 submissions from 3 submitters: Uncertain significance (3). Last evaluated 2025-08-25.

Conditions:
Inborn genetic diseases. Identifiers: MedGen C0950123, MeSH D030342.
LAMA2-related muscular dystrophy (LAMA2-RD). Also called: Laminin alpha 2-related dystrophy. Identifiers: MedGen C5679788, MONDO:0100228.

Allele frequency attached by ClinVar (database versions not stated): ExAC below 0.00001; gnomAD 0.00001; gnomAD exomes 0.00001 and 0.00002; TOPMed 0.00002.
gnomAD v4.1: 16 of 1,593,780 alleles (0.001%); highest among the groups gnomAD compares: Non-Finnish European, 0.0014%; no homozygotes.

Submissions (3):

Ambry Genetics
Classification: Uncertain significance for Inborn genetic diseases. Last evaluated: 2025-08-25. Review status: criteria provided, single submitter. Criteria: Ambry Variant Classification Scheme 2023. Collection method: clinical testing. Allele origin: germline.

Labcorp Genetics (formerly Invitae), Labcorp
Classification: Uncertain significance for LAMA2-related muscular dystrophy. Last evaluated: 2025-06-17. Review status: criteria provided, single submitter. Criteria: Invitae Variant Classification Sherloc (09022015). Collection method: clinical testing. Allele origin: germline.
Comment: This sequence change replaces valine, which is neutral and non-polar, with alanine, which is neutral and non-polar, at codon 20 of the LAMA2 protein (p.Val20Ala). The frequency data for this variant in the population databases is considered unreliable, as metrics indicate poor data quality at this position in the gnomAD database. This variant has not been reported in the literature in individuals affected with LAMA2-related conditions. ClinVar contains an entry for this variant (Variation ID: 1018268). Invitae Evidence Modeling of protein sequence and biophysical properties (such as structural, functional, and spatial information, amino acid conservation, physicochemical variation, residue mobility, and thermodynamic stability) indicates that this missense variant is not expected to disrupt LAMA2 protein function with a negative predictive value of 95%. In summary, the available evidence is currently insufficient to determine the role of this variant in disease. Therefore, it has been classified as a Variant of Uncertain Significance.

Revvity Omics, Revvity
Classification: Uncertain significance. Last evaluated: 2023-01-18. Review status: criteria provided, single submitter. Criteria: ACMG Guidelines, 2015. Collection method: clinical testing. Allele origin: germline.

NM_000426.4(LAMA2):c.59T>C (p.Val20Ala)

Gene: LAMA2 (laminin subunit alpha 2; plus strand). Cytogenetic location: 6q22.33.
Variant type: single nucleotide variant.
Coding change: c.59T>C on transcript NM_000426.4 (MANE Select); coding-DNA position 59, T replaced by C.
Protein change: p.Val20Ala; replaces valine 20 with alanine.
Molecular consequence: missense variant.
Genome position (GRCh38, 1-based): chr6:128,883,304, T>C. VCF-style: chr6-128883304-T-C. GRCh37 (hg19) VCF-style: chr6-129204449-T-C.
Other names: c.59T>C, p.Val20Ala (NM_001079823.2); c.59T>C (NM_000426.3); short protein forms V20A.
Identifiers: ClinVar variation 1018268 (VCV001018268.9), dbSNP rs746372774, ClinGen allele CA3992200.
Genomic context (GRCh38, chr6:128,883,304, plus strand): 5'-CGATGCCGGGAGCCGCCGGGGTCCTCCTCCTTCTGCTGCTCTCCGGAGGCCTCGGGGGCG[T>C]ACAGGCGCAGCGGCCGCAGCAGCAGCGGCAGTCACAGGCACATCAGCAAAGAGGTACAGT-3'
Protein context (NP_000417.3, residues 10-30): LLLLSGGLGG[Val20Ala]QAQRPQQQRQ